The following is an entry in ClinVar:

ClinVar aggregate classification (germline): Uncertain significance (1 of 4 stars; one submission).

Allele frequency attached by ClinVar (database versions not stated): gnomAD exomes below 0.00001.
gnomAD v4.1: 1 of 1,541,610 alleles (0.000065%); highest among the groups gnomAD compares: Admixed American, 0.002%; no homozygotes.

Submission:

Labcorp Genetics (formerly Invitae), Labcorp
Classification: Uncertain significance. Last evaluated: 2023-08-25. Review status: criteria provided, single submitter. Criteria: Invitae Variant Classification Sherloc (09022015). Collection method: clinical testing. Allele origin: germline.
Comment: This sequence change replaces valine, which is neutral and non-polar, with methionine, which is neutral and non-polar, at codon 28 of the ROR2 protein (p.Val28Met). This variant is not present in population databases (gnomAD no frequency). This variant has not been reported in the literature in individuals affected with ROR2-related conditions. Advanced modeling of protein sequence and biophysical properties (such as structural, functional, and spatial information, amino acid conservation, physicochemical variation, residue mobility, and thermodynamic stability) performed at Invitae indicates that this missense variant is not expected to disrupt ROR2 protein function. In summary, the available evidence is currently insufficient to determine the role of this variant in disease. Therefore, it has been classified as a Variant of Uncertain Significance.

NM_004560.4(ROR2):c.82G>A (p.Val28Met)

Gene: ROR2 (receptor tyrosine kinase like orphan receptor 2; minus strand). Cytogenetic location: 9q22.31.
Variant type: single nucleotide variant.
Coding change: c.82G>A on transcript NM_004560.4 (MANE Select); coding-DNA position 82, G replaced by A.
Protein change: p.Val28Met; replaces valine 28 with methionine.
Molecular consequence: missense variant.
Genome position (GRCh38, 1-based): chr9:91,949,882, C>T on the plus strand (G>A on the coding strand, the complement: ROR2 is on the minus strand). VCF-style: chr9-91949882-C-T. GRCh37 (hg19) VCF-style: chr9-94712164-C-T.
Other names: c.82G>A, p.Val28Met (NM_001318204.2); short protein forms V28M.
Identifiers: ClinVar variation 3017764 (VCV003017764.3), dbSNP rs1191657210, ClinGen allele CA373841465.